The following is an entry in ClinVar:

NM_057175.5(NAA15):c.-2C>A

Genes: NAA15 (N-alpha-acetyltransferase 15, NatA auxiliary subunit; plus strand), NDUFC1 (NADH:ubiquinone oxidoreductase subunit C1; minus strand). Cytogenetic location: 4q31.1.
Variant type: single nucleotide variant.
Coding change: c.-2C>A on transcript NM_057175.5 (MANE Select); 2 bases upstream of the start codon, C replaced by A.
Molecular consequence: 5 prime UTR variant. On other transcripts: intron variant (4).
Genome position (GRCh38, 1-based): chr4:139,301,776, C>A. VCF-style: chr4-139301776-C-A. GRCh37 (hg19) VCF-style: chr4-140222930-C-A.
Other names: c.-2C>A (NM_001410842.1); c.-159+640G>T (NM_001184990.1); c.-163+640G>T (NM_001184987.1); c.-199+640G>T (NM_001184988.1); c.-222+640G>T (NM_001184989.2).
Identifiers: ClinVar variation 5017367 (VCV005017367.1).

ClinVar aggregate classification (germline): Uncertain significance (1 of 4 stars; one submission).

Submission:

GeneDx
Classification: Uncertain significance. Last evaluated: 2026-03-26. Review status: criteria provided, single submitter. Criteria: GeneDx Variant Classification Process June 2021. Collection method: clinical testing. Allele origin: germline.
Comment: Not observed at significant frequency in large population cohorts (gnomAD); Nucleotide is not conserved across species and the substitution has no predicted effect on splicing; Has not been previously published as pathogenic or benign to our knowledge; Alters the Kozak sequence, which plays a major role in the initiation of translation